The following is an entry in ClinVar:

NM_001127178.3(PIGG):c.1913dup (p.Ser639fs)

Gene: PIGG (phosphatidylinositol glycan anchor biosynthesis class G (EMM blood group); plus strand). Cytogenetic location: 4p16.3.
Variant type: Duplication.
Coding change: c.1913dup on transcript NM_001127178.3 (MANE Select); coding-DNA position 1913, one base duplicated (G; older notation c.1913dupG).
Protein change: p.Ser639fs; shifts the reading frame from serine 639.
Molecular consequence: frameshift variant. On other transcripts: non-coding transcript variant (6).
Genome position (GRCh38, 1-based): chr4:523,757, G duplicated; the last of 2 consecutive G bases (chr4:523,756-523,757); duplicating either gives the same sequence. VCF-style (leftmost placement, unchanged base first): chr4-523755-C-CG. GRCh37 (hg19) VCF-style: chr4-517544-C-CG.
Other names: c.1646dup, p.Ser550fs (NM_001289051.2, NM_001345986.2); c.1514dup, p.Ser506fs (NM_001289052.2); c.1622dup, p.Ser542fs (NM_001345987.2); c.884dup, p.Ser296fs (NM_001345988.2); c.380dup, p.Ser128fs (NM_001345990.2, NM_001345991.2); c.815dup, p.Ser273fs (NM_001345994.2); c.1889dup, p.Ser631fs (NM_017733.5); short protein forms S128fs, S273fs, S296fs, S506fs, S542fs, S550fs, S631fs, S639fs.
Identifiers: ClinVar variation 4082188 (VCV004082188.1).

ClinVar aggregate classification (germline): Likely pathogenic (1 of 4 stars; one submission).

Conditions:
Intellectual disability, autosomal recessive 53 (NEDHSCA). Also called: GLYCOSYLPHOSPHATIDYLINOSITOL BIOSYNTHESIS DEFECT 13; Mental retardation, autosomal recessive 53; NEURODEVELOPMENTAL DISORDER WITH OR WITHOUT HYPOTONIA, SEIZURES, AND CEREBELLAR ATROPHY. Identifiers: Orphanet 488635, MedGen C4310794, MONDO:0014832, OMIM 616917.

Submission:

Kasturba Medical College, Manipal, Kasturba Medical College, Manipal, Manipal Academy of Higher Education, Manipal, India
Classification: Likely pathogenic for Intellectual disability, autosomal recessive 53. Review status: criteria provided, single submitter. Criteria: ACMG Guidelines, 2015. Collection method: research. Allele origin: maternal. Inheritance: Autosomal recessive inheritance. Affected: yes.
Comment: This variant is absent in homozygous and/or heterozygous state in gnomAD database (v4.1.0) and our in-house data of 3728 exomes. This duplication results in shift in the reading frame of the transcript introducing a premature termination codon which may either lead to nonsense mediated mRNA decay or formation of a truncated protein product.